The following is an entry in ClinVar:

ClinVar aggregate classification (germline): Uncertain significance. Review status: criteria provided, multiple submitters, no conflicts (2 of 4 stars). 2 submissions from 2 submitters: Uncertain significance (2). Last evaluated 2025-12-03.

Conditions:
PIEZO1-related disorder. Also called: PIEZO1-related condition; PIEZO1-Related Disorders.

Allele frequency attached by ClinVar (database versions not stated): gnomAD 0.00004.
gnomAD v4.1: 50 of 1,549,626 alleles (0.0032%); highest among the groups gnomAD compares: East Asian, 0.012%; no homozygotes.

Submissions (2):

PreventionGenetics, part of Exact Sciences
Classification: Uncertain significance for PIEZO1-related condition. Last evaluated: 2025-12-03. Review status: criteria provided, single submitter. Criteria: ACMG Guidelines, 2015. Collection method: clinical testing. Allele origin: germline.
Comment: The PIEZO1 c.2896G>A variant is predicted to result in the amino acid substitution p.Val966Met. This variant has been reported in a patient with hereditary xerocytosis (Kedar et al. 2019. PubMed ID: 31401766), but to our knowledge has not been associated with any other PIEZO1-related conditions. This variant is reported in 0.032% of alleles in individuals of East Asian descent in gnomAD. At this time, the clinical significance of this variant is uncertain due to the absence of conclusive functional and genetic evidence.

GeneDx
Classification: Uncertain significance. Last evaluated: 2022-05-10. Review status: criteria provided, single submitter. Criteria: GeneDx Variant Classification Process June 2021. Collection method: clinical testing. Allele origin: germline. Affected: yes.
Comment: Reported in an individual with unexplained congenital hemolytic anemia (CHA) who also harbored a biallelic deletion in another gene (Kedar et al., 2019); In silico analysis supports that this missense variant does not alter protein structure/function; This variant is associated with the following publications: (PMID: 32112123, 31401766)

NM_001142864.4(PIEZO1):c.2896G>A (p.Val966Met)

Genes: HSALR1 (HSP90AB1 associated lncRNA 1; plus strand), PIEZO1 (piezo type mechanosensitive ion channel component 1 (Er blood group); minus strand). Cytogenetic location: 16q24.3.
Variant type: single nucleotide variant.
Coding change: c.2896G>A on transcript NM_001142864.4 (MANE Select); coding-DNA position 2896, G replaced by A.
Protein change: p.Val966Met; replaces valine 966 with methionine.
Molecular consequence: missense variant.
Genome position (GRCh38, 1-based): chr16:88,732,430, C>T on the plus strand (G>A on the coding strand, the complement: PIEZO1 is on the minus strand). VCF-style: chr16-88732430-C-T. GRCh37 (hg19) VCF-style: chr16-88798838-C-T.
Other names: c.2896G>A (NM_001142864.3); c.1438G>A, p.Val480Met (NM_014745.1); short protein forms V480M, V966M.
Identifiers: ClinVar variation 1723777 (VCV001723777.3), dbSNP rs955881366, ClinGen allele CA286420433.